The following is an entry in ClinVar:

ClinVar aggregate classification (germline): Uncertain significance (1 of 4 stars; one submission).

Conditions:
Neurodevelopmental disorder with microcephaly, cortical malformations, and spasticity. Also called: VANDERVORE-SCHOT SYNDROME. Identifiers: MedGen C5231480, MONDO:0032887, OMIM 618730.

Submission:

3billion
Classification: Uncertain significance for Neurodevelopmental disorder with microcephaly, cortical malformations, and spasticity. Last evaluated: 2023-11-27. Review status: criteria provided, single submitter. Criteria: ACMG Guidelines, 2015. Collection method: clinical testing. Allele origin: germline. Affected: yes.
Comment: The variant is not observed in the gnomAD v2.1.1 dataset. Predicted Consequence/Location: Missense variant Damaging effect on gene or gene product predicted by in silico programs is uncertain [REVEL: 0.17 (damaging >=0.6, benign <0.4), 3Cnet: 0.20 (damaging >=0.6, benign <0.15), Splice AI: 0.12 (spliceogenicity >=0.2, non-spliceogenicity <0.1)]. Therefore, this variant is classified as VUS according to the recommendation of ACMG/AMP guideline.

NM_015959.4(TMX2):c.173C>T (p.Pro58Leu)

Genes: TMX2 (thioredoxin related transmembrane protein 2; plus strand), TMX2-CTNND1 (TMX2-CTNND1 readthrough (NMD candidate); plus strand). Cytogenetic location: 11q12.1.
Variant type: single nucleotide variant.
Coding change: c.173C>T on transcript NM_015959.4 (MANE Select); coding-DNA position 173, C replaced by T.
Protein change: p.Pro58Leu; replaces proline 58 with leucine.
Molecular consequence: missense variant. On other transcripts: non-coding transcript variant (5), 5 prime UTR variant (3), intron variant (3).
Genome position (GRCh38, 1-based): chr11:57,712,791, C>T. VCF-style: chr11-57712791-C-T. GRCh37 (hg19) VCF-style: chr11-57480263-C-T.
Other names: c.173C>T, p.Pro58Leu (NM_001144012.3, NM_001347890.2, NM_001347898.2); c.-187C>T (NM_001347893.2, NM_001347894.2); c.-237C>T (NM_001347895.2); c.166+7C>T (NM_001347891.2); c.-171+7C>T (NM_001347896.2); c.-19+7C>T (NM_001347892.2); short protein forms P58L.
Identifiers: ClinVar variation 3775608 (VCV003775608.1).